The following is an entry in ClinVar:

NM_205768.3(ZBTB18):c.773C>T (p.Ser258Leu)

Gene: ZBTB18 (zinc finger and BTB domain containing 18; plus strand). Cytogenetic location: 1q44.
Variant type: single nucleotide variant.
Coding change: c.773C>T on transcript NM_205768.3 (MANE Select); coding-DNA position 773, C replaced by T.
Protein change: p.Ser258Leu; replaces serine 258 with leucine.
Molecular consequence: missense variant.
Genome position (GRCh38, 1-based): chr1:244,054,547, C>T. VCF-style: chr1-244054547-C-T. GRCh37 (hg19) VCF-style: chr1-244217849-C-T.
Other names: c.746C>T, p.Ser249Leu (NM_001278196.2, NM_006352.5); short protein forms S249L, S258L.
Identifiers: ClinVar variation 1711984 (VCV001711984.3), dbSNP rs2527557895, ClinGen allele CA345673650.
Genomic context (GRCh38, chr1:244,054,547, plus strand): 5'-CCGTGAGGGATTCGGCAGATGTTGACTGTGTGCTGGACCTGTCTGTCAAGTCCAGCCTTT[C>T]AGGAGTTGAAAATCTGAACAGCTCTTATTTCTCTTCACAGGACGTGCTGAGAAGCAACCT-3'
Protein context (NP_991331.1, residues 248-268): VLDLSVKSSL[Ser258Leu]GVENLNSSYF

ClinVar aggregate classification (germline): Uncertain significance (1 of 4 stars; one submission).

Submission:

GeneDx
Classification: Uncertain significance. Last evaluated: 2025-08-26. Review status: criteria provided, single submitter. Criteria: GeneDx Variant Classification Process June 2021. Collection method: clinical testing. Allele origin: germline. Affected: yes.
Comment: Not observed at significant frequency in large population cohorts (gnomAD); In silico analysis suggests that this missense variant does not alter protein structure/function; Has not been previously published as pathogenic or benign to our knowledge